The following is an entry in ClinVar:

NM_005883.3(APC2):c.132G>A (p.Ser44=)

Gene: APC2 (APC regulator of Wnt signaling pathway 2; plus strand). Cytogenetic location: 19p13.3.
Variant type: single nucleotide variant.
Coding change: c.132G>A on transcript NM_005883.3 (MANE Select); coding-DNA position 132, G replaced by A.
Protein change: p.Ser44=; no amino-acid change (serine 44 retained).
Molecular consequence: synonymous variant.
Genome position (GRCh38, 1-based): chr19:1,453,133, G>A. VCF-style: chr19-1453133-G-A. GRCh37 (hg19) VCF-style: chr19-1453132-G-A.
Other names: c.132G>A (NM_005883.2); c.132G>A, p.Ser44= (NM_001351273.1).
Identifiers: ClinVar variation 1973537 (VCV001973537.7), dbSNP rs528977199, ClinGen allele CA9044595.
Genomic context (GRCh38, chr19:1,453,133, plus strand): 5'-CCTGAGGCAGGAGCTAAGGGACAACTCCAGCCACCTGTCCAAGCTGGAGACAGAGACGTC[G>A]GGCATGAAGGTGGGGGCCTACATGGAGGAGGTGGGCTAGGGTCCCGGGGTGGTGCCCCCC-3'
Protein context (NP_005874.1, residues 34-54): SHLSKLETET[Ser44=]GMKEVLKHLQ

ClinVar aggregate classification (germline): Likely benign. Review status: criteria provided, single submitter (1 of 4 stars). 2 submissions from 2 submitters: Likely benign (1). 1 of the submissions does not count toward it. Last evaluated 2023-08-06.

Conditions:
APC2-related disorder. Also called: APC2-Related Disorders; APC2-related condition.

Allele frequency attached by ClinVar (database versions not stated): gnomAD exomes 0.00001; ExAC 0.00003; TOPMed 0.00008; gnomAD 0.00011; 1000 Genomes Project 30x 0.00016; 1000 Genomes Project 0.00020.
gnomAD v4.1: 24 of 1,602,236 alleles (0.0015%); highest among the groups gnomAD compares: African/African-American, 0.028%; no homozygotes.

Submissions (2):

Labcorp Genetics (formerly Invitae), Labcorp
Classification: Likely benign. Last evaluated: 2023-08-06. Review status: criteria provided, single submitter. Criteria: Invitae Variant Classification Sherloc (09022015). Collection method: clinical testing. Allele origin: germline.

PreventionGenetics, part of Exact Sciences
Classification: Likely benign for APC2-related condition. Last evaluated: 2019-05-28. Review status: no assertion criteria provided. Collection method: clinical testing. Allele origin: germline. Not counted in ClinVar's aggregate classification.
Comment: This variant is classified as likely benign based on ACMG/AMP sequence variant interpretation guidelines (Richards et al. 2015 PMID: 25741868, with internal and published modifications).